The following is an entry in ClinVar:

NM_033028.5(BBS4):c.1248+2T>C

Gene: BBS4 (Bardet-Biedl syndrome 4; plus strand). Cytogenetic location: 15q24.1.
Variant type: single nucleotide variant.
Coding change: c.1248+2T>C on transcript NM_033028.5 (MANE Select); the canonical splice donor site of the intron after coding-DNA position 1248, T replaced by C.
Molecular consequence: splice donor variant.
Genome position (GRCh38, 1-based): chr15:72,735,968, T>C. VCF-style: chr15-72735968-T-C. GRCh37 (hg19) VCF-style: chr15-73028309-T-C.
Other names: c.1179+2T>C (NM_001320665.2); c.732+2T>C (NM_001252678.2).
Identifiers: ClinVar variation 1068712 (VCV001068712.14), dbSNP rs2151055229, ClinGen allele CA393080263.

ClinVar aggregate classification (germline): Pathogenic/Likely pathogenic. Review status: criteria provided, multiple submitters, no conflicts (2 of 4 stars). 5 submissions from 5 submitters: Pathogenic (2); Likely pathogenic (2). 1 of the submissions does not count toward it. Last evaluated 2023-01-05.

Conditions:
BBS4-related disorder. Also called: BBS4-related condition.
Bardet-Biedl syndrome 4 (BBS4). Identifiers: Orphanet 110, MedGen C2936864, MONDO:0014433, OMIM 615982.
Bardet-Biedl syndrome (BBS). Identifiers: Orphanet 110, MedGen C0752166, MONDO:0015229.

gnomAD v4.1: 1 of 1,614,020 alleles (0.000062%); highest among the groups gnomAD compares: South Asian, 0.0011%; no homozygotes.

Submissions (6):

Baylor Genetics
Classification: Pathogenic for Bardet-Biedl syndrome 4. Last evaluated: 2023-01-05. Review status: criteria provided, single submitter. Criteria: ACMG Guidelines, 2015. Collection method: clinical testing. Allele origin: unknown.

Women's Health and Genetics/Laboratory Corporation of America, LabCorp
Classification: Likely pathogenic for Bardet-Biedl syndrome. Last evaluated: 2022-03-02. Review status: criteria provided, single submitter. Criteria: LabCorp Variant Classification Summary - May 2015. Collection method: clinical testing. Allele origin: germline.
Comment: Variant summary: BBS4 c.1248+2T>C is located in a canonical splice-site and is predicted to affect mRNA splicing resulting in a significantly altered protein due to either exon skipping, shortening, or inclusion of intronic material. Several computational tools predict a significant impact on normal splicing: Three predict the variant abolishes a canonical 5 prime splicing donor site. However, these predictions have yet to be confirmed by functional studies. The variant was absent in 251384 control chromosomes (gnomAD). To our knowledge, no occurrence of c.1248+2T>C in individuals affected with Bardet-Biedl Syndrome and no experimental evidence demonstrating its impact on protein function have been reported. One clinical diagnostic laboratory has submitted clinical-significance assessments for this variant to ClinVar after 2014 and classified the variant as pathogenic. Based on the evidence outlined above, the variant was classified as likely pathogenic.

Labcorp Genetics (formerly Invitae), Labcorp
Classification: Pathogenic for Bardet-Biedl syndrome. Last evaluated: 2020-07-27. Review status: criteria provided, single submitter. Criteria: Invitae Variant Classification Sherloc (09022015). Collection method: clinical testing. Allele origin: germline.
Comment: For these reasons, this variant has been classified as Pathogenic. Donor and acceptor splice site variants typically lead to a loss of protein function (PMID: 16199547), and loss-of-function variants in BBS4 are known to be pathogenic (PMID: 11381270, 12016587, 20177705, 27894351). Algorithms developed to predict the effect of sequence changes on RNA splicing suggest that this variant may disrupt the consensus splice site, but this prediction has not been confirmed by published transcriptional studies. This variant is not present in population databases (ExAC no frequency). This sequence change affects a donor splice site in intron 14 of the BBS4 gene. It is expected to disrupt RNA splicing and likely results in an absent or disrupted protein product.

Blueprint Genetics
Classification: Likely pathogenic for BBS4-related disorders. Last evaluated: 2019-12-18. Review status: criteria provided, single submitter. Criteria: ACMG Guidelines, 2015. Collection method: clinical testing. Allele origin: germline. Affected: yes. Observed: 1 variant allele.

PreventionGenetics, part of Exact Sciences
Classification: Likely pathogenic for BBS4-related condition. Last evaluated: 2024-03-01. Review status: no assertion criteria provided. Collection method: clinical testing. Allele origin: germline. Not counted in ClinVar's aggregate classification.
Comment: The BBS4 c.1248+2T>C variant is predicted to disrupt the GT donor site and interfere with normal splicing. To our knowledge, this variant has not been reported in the literature. An alternate variant affecting this same splice site (c.1248+1G>T) has been reported in a genetically solved case from a cohort of individuals with retinal disease (Table S1, Karali et al. 2022. PubMed ID: 36460718). This variant has not been reported in a large population database, indicating this variant is rare. Variants that disrupt the consensus splice donor site in BBS4 are expected to be pathogenic. This variant is interpreted as likely pathogenic.

Dr. Peter K. Rogan Lab, Western University
No classification provided (evidence only). Condition: Colon adenocarcinoma. Review status: no classification provided. Collection method: in vitro. Allele origin: not applicable. Functional consequence: retained intron. Not counted in ClinVar's aggregate classification.

Literature cited by the submitters: PubMed 16199547 (cited by Labcorp Genetics (formerly Invitae), Labcorp); PubMed 11381270 (cited by Labcorp Genetics (formerly Invitae), Labcorp); PubMed 12016587 (cited by Labcorp Genetics (formerly Invitae), Labcorp); PubMed 20177705 (cited by Labcorp Genetics (formerly Invitae), Labcorp); PubMed 27894351 (cited by Labcorp Genetics (formerly Invitae), Labcorp).